The following is an entry in ClinVar:

NM_000257.4(MYH7):c.4347C>G (p.Phe1449Leu)

Genes: MHRT (myosin heavy chain associated RNA transcript; plus strand), MYH7 (myosin heavy chain 7; minus strand). Cytogenetic location: 14q11.2.
Variant type: single nucleotide variant.
Coding change: c.4347C>G on transcript NM_000257.4 (MANE Select); coding-DNA position 4347, C replaced by G.
Protein change: p.Phe1449Leu; replaces phenylalanine 1449 with leucine.
Molecular consequence: missense variant.
Genome position (GRCh38, 1-based): chr14:23,417,509, G>C on the plus strand (C>G on the coding strand, the complement: MYH7 is on the minus strand). VCF-style: chr14-23417509-G-C. GRCh37 (hg19) VCF-style: chr14-23886718-G-C.
Other names: short protein forms F1449L.
Identifiers: ClinVar variation 650679 (VCV000650679.17), dbSNP rs182311329, ClinGen allele CA389040001.

ClinVar aggregate classification (germline): Uncertain significance. Review status: criteria provided, multiple submitters, no conflicts (2 of 4 stars). 7 submissions from 7 submitters: Uncertain significance (7). Last evaluated 2026-05-15.

Conditions:
Cardiovascular phenotype. Identifiers: MedGen CN230736.
MYH7-related disorder. Also called: MYH7-related condition; MYH7-related disease; MYH7-related disorders.
Hypertrophic cardiomyopathy. Also called: HYPERTROPHIC MYOCARDIOPATHY. Identifiers: Orphanet 217569, MedGen C0007194, MeSH D002312, MONDO:0005045, HP:0001639.
Cardiomyopathy (CMYO). Also called: Cardiomyopathies. Identifiers: Orphanet 167848, MedGen C0878544, MONDO:0004994, HP:0001638. Inheritance: Various modes of inheritance.

Allele frequency attached by ClinVar (database versions not stated): TOPMed 0.00001.
gnomAD v4.1: 4 of 1,612,170 alleles (0.00025%); highest among the groups gnomAD compares: Non-Finnish European, 0.00034%; no homozygotes.

Submissions (7):

Ambry Genetics
Classification: Uncertain significance for Cardiovascular phenotype. Last evaluated: 2026-05-15. Review status: criteria provided, single submitter. Criteria: Ambry Variant Classification Scheme 2023. Collection method: clinical testing. Allele origin: germline.
Comment: The p.F1449L variant (also known as c.4347C>G), located in coding exon 29 of the MYH7 gene, results from a C to G substitution at nucleotide position 4347. The phenylalanine at codon 1449 is replaced by leucine, an amino acid with highly similar properties. This amino acid position is highly conserved in available vertebrate species. In addition, the in silico prediction for this alteration is inconclusive. Based on the available evidence, the clinical significance of this variant remains unclear.

Labcorp Genetics (formerly Invitae), Labcorp
Classification: Uncertain significance for Hypertrophic cardiomyopathy. Last evaluated: 2025-12-15. Review status: criteria provided, single submitter. Criteria: Invitae Variant Classification Sherloc (09022015). Collection method: clinical testing. Allele origin: germline.
Comment: This sequence change replaces phenylalanine, which is neutral and non-polar, with leucine, which is neutral and non-polar, at codon 1449 of the MYH7 protein (p.Phe1449Leu). This variant is present in population databases (no rsID available, gnomAD 0.007%). This variant has not been reported in the literature in individuals affected with MYH7-related conditions. ClinVar contains an entry for this variant (Variation ID: 650679). Invitae Evidence Modeling of protein sequence and biophysical properties (such as structural, functional, and spatial information, amino acid conservation, physicochemical variation, residue mobility, and thermodynamic stability) indicates that this missense variant is expected to disrupt MYH7 protein function with a positive predictive value of 95%. In summary, the available evidence is currently insufficient to determine the role of this variant in disease. Therefore, it has been classified as a Variant of Uncertain Significance.

Color Diagnostics, LLC DBA Color Health
Classification: Uncertain significance for Cardiomyopathy. Last evaluated: 2025-06-04. Review status: criteria provided, single submitter. Criteria: ACMG Guidelines, 2015. Collection method: clinical testing. Allele origin: germline.
Comment: This missense variant replaces phenylalanine with leucine at codon 1449 of the MYH7 protein. Computational prediction tool is inconclusive regarding the impact of this variant on protein structure and function. To our knowledge, functional studies have not been reported for this variant. This variant has not been reported in individuals affected with MYH7-related disorders in the literature. This variant has been identified in 1/31384 chromosomes in the general population by the Genome Aggregation Database (gnomAD). The available evidence is insufficient to determine the role of this variant in disease conclusively. Therefore, this variant is classified as a Variant of Uncertain Significance.

All of Us Research Program, National Institutes of Health
Classification: Uncertain significance for Cardiomyopathy. Last evaluated: 2023-09-17. Review status: criteria provided, single submitter. Criteria: ACMG Guidelines, 2015. Collection method: clinical testing. Allele origin: germline. Inheritance: Autosomal dominant inheritance. Observed: 2 variant alleles, 2 heterozygotes.
Comment: This missense variant replaces phenylalanine with leucine at codon 1449 of the MYH7 protein. Computational prediction is inconclusive regarding the impact of this variant on protein structure and function (internally defined REVEL score threshold 0.5 < inconclusive < 0.7, PMID: 27666373). To our knowledge, functional studies have not been reported for this variant. This variant has not been reported in individuals affected with MYH7-related disorders in the literature. This variant has been identified in 1/31384 chromosomes in the general population by the Genome Aggregation Database (gnomAD). The available evidence is insufficient to determine the role of this variant in disease conclusively. Therefore, this variant is classified as a Variant of Uncertain Significance.

This study involves interpretation of variants in research participants for the purpose of population health screening. Participant phenotype was not available at the time of variant classification. Additional details can be found in publication PMID: 35346344, PMCID: PMC8962531

PreventionGenetics, part of Exact Sciences
Classification: Uncertain significance for MYH7-related condition. Last evaluated: 2023-08-22. Review status: criteria provided, single submitter. Criteria: ACMG Guidelines, 2015. Collection method: clinical testing. Allele origin: germline.
Comment: The MYH7 c.4347C>G variant is predicted to result in the amino acid substitution p.Phe1449Leu. To our knowledge, this variant has not been reported in association with disorders in the literature. This variant is reported in 0.0065% of alleles in individuals of European (Non-Finnish) descent in gnomAD. At this time, the clinical significance of this variant is uncertain due to the absence of conclusive functional and genetic evidence.

GeneDx
Classification: Uncertain significance. Last evaluated: 2022-10-03. Review status: criteria provided, single submitter. Criteria: GeneDx Variant Classification Process June 2021. Collection method: clinical testing. Allele origin: germline. Affected: yes.
Comment: Reported as part of a genome-first analysis in an individual without HCM or muscle wasting/atrophy (Park et al., 2022); Not observed at significant frequency in large population cohorts (gnomAD); In silico analysis supports that this missense variant has a deleterious effect on protein structure/function; This variant is associated with the following publications: (PMID: 34542152)

Revvity Omics, Revvity
Classification: Uncertain significance. Last evaluated: 2022-09-15. Review status: criteria provided, single submitter. Criteria: ACMG Guidelines, 2015. Collection method: clinical testing. Allele origin: germline.